The following is an entry in ClinVar:

ClinVar aggregate classification (germline): Uncertain significance (1 of 4 stars; one submission).

gnomAD v4.1: 7 of 1,557,398 alleles (0.00045%); highest among the groups gnomAD compares: Admixed American, 0.0019%; no homozygotes.

Submission:

CeGaT Center for Human Genetics Tuebingen
Classification: Uncertain significance. Last evaluated: 2025-04-01. Review status: criteria provided, single submitter. Criteria: CeGaT Center For Human Genetics Tuebingen Variant Classification Criteria Version 2. Collection method: clinical testing. Allele origin: germline. Affected: yes. Observed: 1 variant allele.
Comment: GDF1: PP3

NM_001492.6(GDF1):c.1022G>A (p.Arg341His)

Genes: CERS1 (ceramide synthase 1; minus strand), GDF1 (growth differentiation factor 1; minus strand). Cytogenetic location: 19p13.11.
Variant type: single nucleotide variant.
Coding change: c.1022G>A on transcript NM_001492.6 (MANE Select); coding-DNA position 1022, G replaced by A.
Protein change: p.Arg341His; replaces arginine 341 with histidine.
Molecular consequence: missense variant. On other transcripts: 3 prime UTR variant (2).
Genome position (GRCh38, 1-based): chr19:18,868,694, C>T on the plus strand (G>A on the coding strand, the complement: GDF1 is on the minus strand). VCF-style: chr19-18868694-C-T. GRCh37 (hg19) VCF-style: chr19-18979503-C-T.
Other names: c.*1883G>A (NM_001387440.1); c.*1291G>A (NM_021267.5); c.1022G>A, p.Arg341His (NM_001387438.1); short protein forms R341H.
Identifiers: ClinVar variation 3898339 (VCV003898339.7).